The following is an entry in ClinVar:

ClinVar aggregate classification (germline): Uncertain significance (1 of 4 stars; one submission).

Conditions:
Emery-Dreifuss muscular dystrophy 4, autosomal dominant (EDMD4). Also called: EMERY-DREIFUSS MUSCULAR DYSTROPHY 4 WITH VARIABLE FEATURES. Identifiers: Orphanet 261, MedGen C2751807, MONDO:0013071, OMIM 612998.
Autosomal recessive ataxia, Beauce type. Also called: Spinocerebellar ataxia, autosomal recessive 8; ATAXIA, RECESSIVE, OF BEAUCE; SYNE1 Deficiency; SYNE1-Related Autosomal Recessive Cerebellar Ataxia. Identifiers: Orphanet 88644, MedGen C1853116, MONDO:0012549, OMIM 610743.

Allele frequency attached by ClinVar (database versions not stated): gnomAD exomes below 0.00001; TOPMed below 0.00001.
gnomAD v4.1: 2 of 1,612,138 alleles (0.00012%); highest among the groups gnomAD compares: Admixed American, 0.0017%; no homozygotes.

Submission:

Labcorp Genetics (formerly Invitae), Labcorp
Classification: Uncertain significance for Emery-Dreifuss muscular dystrophy 4, autosomal dominant; Autosomal recessive ataxia, Beauce type. Last evaluated: 2022-02-18. Review status: criteria provided, single submitter. Criteria: Invitae Variant Classification Sherloc (09022015). Collection method: clinical testing. Allele origin: germline.
Comment: In summary, the available evidence is currently insufficient to determine the role of this variant in disease. Therefore, it has been classified as a Variant of Uncertain Significance. This sequence change replaces histidine, which is basic and polar, with arginine, which is basic and polar, at codon 2612 of the SYNE1 protein (p.His2612Arg). This variant is not present in population databases (gnomAD no frequency). This variant has not been reported in the literature in individuals affected with SYNE1-related conditions. Algorithms developed to predict the effect of missense changes on protein structure and function are either unavailable or do not agree on the potential impact of this missense change (SIFT: "Deleterious"; PolyPhen-2: "Benign"; Align-GVGD: "Class C0").

NM_182961.4(SYNE1):c.7814A>G (p.His2605Arg)

Gene: SYNE1 (spectrin repeat containing nuclear envelope protein 1; minus strand). Cytogenetic location: 6q25.2.
Variant type: single nucleotide variant.
Coding change: c.7814A>G on transcript NM_182961.4 (MANE Select); coding-DNA position 7814, A replaced by G.
Protein change: p.His2605Arg; replaces histidine 2605 with arginine.
Molecular consequence: missense variant.
Genome position (GRCh38, 1-based): chr6:152,391,467, T>C on the plus strand (A>G on the coding strand, the complement: SYNE1 is on the minus strand). VCF-style: chr6-152391467-T-C. GRCh37 (hg19) VCF-style: chr6-152712602-T-C.
Other names: c.7835A>G, p.His2612Arg (NM_033071.5); short protein forms H2612R, H2605R.
Identifiers: ClinVar variation 1425302 (VCV001425302.6), dbSNP rs2097627280, ClinGen allele CA366109114.